The following is an entry in ClinVar:

ClinVar aggregate classification (germline): Likely pathogenic (1 of 4 stars; one submission).

Conditions:
Asphyxiating thoracic dystrophy 3. Also called: SHORT-RIB THORACIC DYSPLASIA 3 WITH OR WITHOUT POLYDACTYLY; SHORT-RIB THORACIC DYSPLASIA 3/6 WITH POLYDACTYLY, DIGENIC; POLYDACTYLY WITH NEONATAL CHONDRODYSTROPHY, TYPE I; Short rib polydactyly syndrome 2B; Saldino-Noonan Syndrome. Identifiers: Orphanet 474, Orphanet 93269, Orphanet 93270, Orphanet 93271, MedGen C0036069, MONDO:0013127, OMIM 613091.

gnomAD v4.1: 2 of 1,599,488 alleles (0.00013%); highest among the groups gnomAD compares: Non-Finnish European, 0.000085%; no homozygotes.

Submission:

Myriad Genetics, Inc.
Classification: Likely pathogenic for Asphyxiating thoracic dystrophy 3. Last evaluated: 2025-04-21. Review status: criteria provided, single submitter. Criteria: Myriad Autosomal Dominant, Autosomal Recessive and X-Linked Classification Criteria (2023). Collection method: clinical testing. Allele origin: unknown.
Comment: NM_001377.2(DYNC2H1):c.5875-1G>T is a variant in a canonical splice site classified as likely pathogenic in the context of DYNC2H1-related disorders. c.5875-1G>T has not been observed in cases with relevant disease. Relevant functional assessments of this variant are not available in the literature. c.5875-1G>T has not been observed in referenced population frequency databases. In summary, NM_001377.2(DYNC2H1):c.5875-1G>T is a variant in a canonical splice site in a gene where loss of function is a known mechanism of disease and is predicted to disrupt protein function. Please note: this variant was assessed in the context of healthy population screening.

NM_001377.3(DYNC2H1):c.5875-1G>T

Gene: DYNC2H1 (dynein cytoplasmic 2 heavy chain 1; plus strand). Cytogenetic location: 11q22.3.
Variant type: single nucleotide variant.
Coding change: c.5875-1G>T on transcript NM_001377.3 (MANE Select); the canonical splice acceptor site of the intron before coding-DNA position 5875, G replaced by T.
Molecular consequence: splice acceptor variant.
Genome position (GRCh38, 1-based): chr11:103,177,555, G>T. VCF-style: chr11-103177555-G-T. GRCh37 (hg19) VCF-style: chr11-103048284-G-T.
Other names: c.5875-1G>T (NM_001080463.2).
Identifiers: ClinVar variation 4081635 (VCV004081635.1).